The following is an entry in ClinVar:

ClinVar aggregate classification (germline): Uncertain significance (1 of 4 stars; one submission).

Conditions:
Cortical dysplasia-focal epilepsy syndrome (PTHSL1). Also called: Pitt-Hopkins-like syndrome 1. Identifiers: Orphanet 163681, Orphanet 221150, MedGen C2750246, MONDO:0012400, OMIM 610042.

Submission:

Labcorp Genetics (formerly Invitae), Labcorp
Classification: Uncertain significance for Cortical dysplasia-focal epilepsy syndrome. Last evaluated: 2022-08-06. Review status: criteria provided, single submitter. Criteria: Invitae Variant Classification Sherloc (09022015). Collection method: clinical testing. Allele origin: germline.
Comment: In summary, the available evidence is currently insufficient to determine the role of this variant in disease. Therefore, it has been classified as a Variant of Uncertain Significance. Algorithms developed to predict the effect of missense changes on protein structure and function (SIFT, PolyPhen-2, Align-GVGD) all suggest that this variant is likely to be tolerated. This variant has not been reported in the literature in individuals affected with CNTNAP2-related conditions. This variant is not present in population databases (gnomAD no frequency). This sequence change replaces lysine, which is basic and polar, with arginine, which is basic and polar, at codon 847 of the CNTNAP2 protein (p.Lys847Arg).

NM_014141.6(CNTNAP2):c.2540A>G (p.Lys847Arg)

Gene: CNTNAP2 (contactin associated protein 2; plus strand). Cytogenetic location: 7q35.
Variant type: single nucleotide variant.
Coding change: c.2540A>G on transcript NM_014141.6 (MANE Select); coding-DNA position 2540, A replaced by G.
Protein change: p.Lys847Arg; replaces lysine 847 with arginine.
Molecular consequence: missense variant.
Genome position (GRCh38, 1-based): chr7:148,118,274, A>G. VCF-style: chr7-148118274-A-G. GRCh37 (hg19) VCF-style: chr7-147815366-A-G.
Other names: short protein forms K847R.
Identifiers: ClinVar variation 1715056 (VCV001715056.6), dbSNP rs777475285, ClinGen allele CA369927501.